The following is an entry in ClinVar:

NM_001020658.2(PUM1):c.2264_2291dup (p.Ser765fs)

Gene: PUM1 (pumilio RNA binding family member 1; minus strand). Cytogenetic location: 1p35.2.
Variant type: Duplication.
Coding change: c.2264_2291dup on transcript NM_001020658.2 (MANE Select); coding-DNA positions 2264 to 2291, 28 bases duplicated (ATTCACAGACACCACCTCCTTCCCTCTC).
Protein change: p.Ser765fs; shifts the reading frame from serine 765.
Molecular consequence: frameshift variant.
Genome position (GRCh38, 1-based): chr1:30,964,706-30,964,733, GAGAGGGAAGGAGGTGGTGTCTGTGAAT duplicated on the plus strand (ATTCACAGACACCACCTCCTTCCCTCTC on the coding strand, the reverse complement: PUM1 is on the minus strand); duplicating any 28 consecutive bases within chr1:30,964,706-30,964,734 gives the same sequence; the c. name uses the placement nearest the transcript's 3' end. VCF-style (leftmost placement, unchanged base first): chr1-30964705-A-AGAGAGGGAAGGAGGTGGTGTCTGTGAAT. GRCh37 (hg19) VCF-style: chr1-31437552-A-AGAGAGGGAAGGAGGTGGTGTCTGTGAAT.
Other names: c.2264_2291dup, p.Ser765fs (NM_014676.3); short protein forms S765fs.
Identifiers: ClinVar variation 3600359 (VCV003600359.1).

ClinVar aggregate classification (germline): Likely pathogenic (1 of 4 stars; one submission).

Conditions:
PUM1-associated developmental disability-ataxia-seizure syndrome. Identifiers: Orphanet 589515, MedGen CN376901, MONDO:0958231.

Submission:

Institute of Human Genetics, University of Goettingen
Classification: Likely pathogenic for Spinocerebellar ataxia 47. Last evaluated: 2025-01-13. Review status: criteria provided, single submitter. Criteria: ACMG Guidelines, 2015. Collection method: clinical testing. Allele origin: unknown. Affected: yes. Observed: 1 heterozygote.
Comment: PVS1: frameshift variant in a gene with loss of function effect PM2_sup: absent from controls